The following is an entry in ClinVar:

NM_004409.5(DMPK):c.*224CTG[8]

Genes: DM1-AS (DM1 locus antisense RNA; plus strand), DMPK (DM1 protein kinase; minus strand), LOC107075317 (origin of replication in DMPK trinucleotide repeat region; plus strand), LOC109461477 (dystrophia myotonica protein kinase repeat instability region; plus strand), LOC129929040 (ATAC-STARR-seq lymphoblastoid silent region 10796; plus strand). Cytogenetic location: 19q13.32.
Variant type: Microsatellite.
Coding change: c.*224CTG[8] on transcript NM_004409.5 (MANE Select); eight copies in a row of the 3-base unit CTG starting at c.*224; the reference has 20 copies in a row; 12 copies, 36 bases deleted.
Molecular consequence: 3 prime UTR variant.
Genome position (GRCh38, 1-based): chr19:45,770,205-45,770,240, 36 bases deleted; deleting any 36 consecutive bases within chr19:45,770,205-45,770,266 gives the same sequence; the position shown is the placement nearest the transcript's 3' end. GRCh37 (hg19), VCF-style position (the base before the change): chr19:46,273,462.
Other names: c.*224CTG[8] (NM_001081560.3, NM_001288764.2, NM_001424165.1 and 1 more transcripts); c.*217CTG[8] (NM_001081562.3, NM_001288765.2, NM_001424162.1 and 2 more transcripts); c.*222_*224TGC[8] (NM_001081563.3); c.*369CTG[8] (NM_001288766.2, NM_001424164.1, NM_001424168.1).
Identifiers: ClinVar variation 2650126 (VCV002650126.24), ClinGen allele CA309002474.

ClinVar aggregate classification (germline): Benign (1 of 4 stars; one submission).

Submission:

CeGaT Center for Human Genetics Tuebingen
Classification: Benign. Last evaluated: 2023-02-01. Review status: criteria provided, single submitter. Criteria: CeGaT Center For Human Genetics Tuebingen Variant Classification Criteria Version 2. Collection method: clinical testing. Allele origin: germline. Affected: yes. Observed: 2 variant alleles.
Comment: DMPK: BS1, BS2